The following is an entry in ClinVar:

NM_002591.4(PCK1):c.876C>G (p.Asn292Lys)

Gene: PCK1 (phosphoenolpyruvate carboxykinase 1; plus strand). Cytogenetic location: 20q13.31.
Variant type: single nucleotide variant.
Coding change: c.876C>G on transcript NM_002591.4 (MANE Select); coding-DNA position 876, C replaced by G.
Protein change: p.Asn292Lys; replaces asparagine 292 with lysine.
Molecular consequence: missense variant.
Genome position (GRCh38, 1-based): chr20:57,563,642, C>G. VCF-style: chr20-57563642-C-G. GRCh37 (hg19) VCF-style: chr20-56138698-C-G.
Other names: c.876C>G (NM_002591.3); short protein forms N292K.
Identifiers: ClinVar variation 1373018 (VCV001373018.7), dbSNP rs1243174353, ClinGen allele CA409435918.

ClinVar aggregate classification (germline): Uncertain significance. Review status: criteria provided, multiple submitters, no conflicts (2 of 4 stars). 2 submissions from 2 submitters: Uncertain significance (2). Last evaluated 2024-10-21.

Conditions:
Inborn genetic diseases. Identifiers: MedGen C0950123, MeSH D030342.

Allele frequency attached by ClinVar (database versions not stated): gnomAD 0.00001.
gnomAD v4.1: 10 of 1,613,426 alleles (0.00062%); highest among the groups gnomAD compares: Admixed American, 0.013%; no homozygotes.

Submissions (2):

Ambry Genetics
Classification: Uncertain significance for Inborn genetic diseases. Last evaluated: 2024-10-21. Review status: criteria provided, single submitter. Criteria: Ambry Variant Classification Scheme 2023. Collection method: clinical testing. Allele origin: germline.

Labcorp Genetics (formerly Invitae), Labcorp
Classification: Uncertain significance. Last evaluated: 2021-11-27. Review status: criteria provided, single submitter. Criteria: Invitae Variant Classification Sherloc (09022015). Collection method: clinical testing. Allele origin: germline.
Comment: This sequence change replaces asparagine, which is neutral and polar, with lysine, which is basic and polar, at codon 292 of the PCK1 protein (p.Asn292Lys). In summary, the available evidence is currently insufficient to determine the role of this variant in disease. Therefore, it has been classified as a Variant of Uncertain Significance. Algorithms developed to predict the effect of missense changes on protein structure and function (SIFT, PolyPhen-2, Align-GVGD) all suggest that this variant is likely to be disruptive. This variant has not been reported in the literature in individuals affected with PCK1-related conditions. This variant is present in population databases (no rsID available, gnomAD 0.02%).